The following is an entry in ClinVar:

NC_000002.12:g.64468759_64476152del

Variant type: Deletion.
Genome position: GRCh38: chr2:64,468,759-64,476,152. GRCh37 (hg19): chr2:64,695,893-64,703,286.
Identifiers: ClinVar variation 156791 (VCV000156791.3), ClinGen allele CA211992.

ClinVar aggregate classification (germline): not provided (0 of 4 stars; one submission).

Conditions:
Large for gestational age. Identifiers: MedGen C1848395, HP:0001520.

Submission:

Institute of Molecular and Cell Biology, University of Tartu
No classification provided. Condition: Large for gestational age. Review status: no classification provided. Collection method: case-control. Allele origin: unknown. Affected: yes. Study: Kasak2014.
Comment: The study aimed to determine the contribution of copy number variants in the genetic etiology of normal and complicated pregnancies. The samples represented (i) maternal blood DNA drawn from healthy pregnant women during 1st or 2nd trimester and (ii) maternal and paternal blood DNA drawn at term pregnancy cases representing normal and complicated gestations (severe preeclampsia, PE; gestational diabetes, GD; small-for-gestational age newborn, SGA; large-for-gestational age newborn, LGA). We performed CNV calling based on genome-wide genotyping dataset (Illumina HumanOmniExpress-24-v1 BeadChip) by applying three algorithms, QuantiSNP, GADA (Genome Alteration Detection Algorithm) and CNstream in parallel. The acquired CNV calls were merged with HD-CNV (Hotspot Detector for Copy Number Variants) program and only the CNVs predicted by at least two programs, were considered in subsequent analysis.

Literature cited by the submitters: PubMed 25666259.